The following is an entry in ClinVar:

NM_024529.5(CDC73):c.815A>T (p.Asn272Ile)

Gene: CDC73 (cell division cycle 73; plus strand). Cytogenetic location: 1q31.2.
Variant type: single nucleotide variant.
Coding change: c.815A>T on transcript NM_024529.5 (MANE Select); coding-DNA position 815, A replaced by T.
Protein change: p.Asn272Ile; replaces asparagine 272 with isoleucine.
Molecular consequence: missense variant.
Genome position (GRCh38, 1-based): chr1:193,147,952, A>T. VCF-style: chr1-193147952-A-T. GRCh37 (hg19) VCF-style: chr1-193117082-A-T.
Other names: short protein forms N272I.
Identifiers: ClinVar variation 570011 (VCV000570011.11), dbSNP rs752383339, ClinGen allele CA343964209.
Genomic context (GRCh38, chr1:193,147,952, plus strand): 5'-TTCTTCAATCTGTAAAAGCCAGAGAAGAAGGGCGTGCACCTGAACAGCGACCTGCCCCAA[A>T]TGCAGCACCTGTGGTAAGAATGCTTTACTGCTTTACAGTAGATTTAATGAAGTTGCCACT-3'
Protein context (NP_078805.3, residues 262-282): GRAPEQRPAP[Asn272Ile]AAPVDPTLRT

ClinVar aggregate classification (germline): Uncertain significance. Review status: criteria provided, multiple submitters, no conflicts (2 of 4 stars). 2 submissions from 2 submitters: Uncertain significance (2). Last evaluated 2025-09-20.

Conditions:
Hereditary cancer-predisposing syndrome. Also called: Hereditary neoplastic syndrome; Tumor predisposition; Neoplastic Syndromes, Hereditary; Hereditary Cancer Syndrome. Identifiers: Orphanet 140162, MedGen C0027672, MeSH D009386, MONDO:0015356.
Parathyroid carcinoma (PRTC). Also called: Parathyroid gland carcinoma; CDC73-Related Parathyroid Carcinoma. Identifiers: Orphanet 143, MedGen C0687150, MONDO:0012004, OMIM 608266, HP:0006780.

Submissions (2):

Labcorp Genetics (formerly Invitae), Labcorp
Classification: Uncertain significance for Parathyroid carcinoma. Last evaluated: 2025-09-20. Review status: criteria provided, single submitter. Criteria: Invitae Variant Classification Sherloc (09022015). Collection method: clinical testing. Allele origin: germline.
Comment: This sequence change replaces asparagine, which is neutral and polar, with isoleucine, which is neutral and non-polar, at codon 272 of the CDC73 protein (p.Asn272Ile). This variant is not present in population databases (gnomAD no frequency). This variant has not been reported in the literature in individuals affected with CDC73-related conditions. ClinVar contains an entry for this variant (Variation ID: 570011). Invitae Evidence Modeling of protein sequence and biophysical properties (such as structural, functional, and spatial information, amino acid conservation, physicochemical variation, residue mobility, and thermodynamic stability) indicates that this missense variant is not expected to disrupt CDC73 protein function with a negative predictive value of 80%. In summary, the available evidence is currently insufficient to determine the role of this variant in disease. Therefore, it has been classified as a Variant of Uncertain Significance.

Ambry Genetics
Classification: Uncertain significance for Hereditary cancer-predisposing syndrome. Last evaluated: 2024-07-24. Review status: criteria provided, single submitter. Criteria: Ambry Variant Classification Scheme 2023. Collection method: clinical testing. Allele origin: germline.
Comment: The p.N272I variant (also known as c.815A>T), located in coding exon 8 of the CDC73 gene, results from an A to T substitution at nucleotide position 815. The asparagine at codon 272 is replaced by isoleucine, an amino acid with dissimilar properties. This amino acid position is conserved. In addition, this alteration is predicted to be tolerated by in silico analysis. Since supporting evidence is limited at this time, the clinical significance of this alteration remains unclear.